The following is an entry in ClinVar:

ClinVar aggregate classification (germline): Likely benign (1 of 4 stars; one submission).

Conditions:
SPTBN5-related disorder. Also called: SPTBN5-related condition.

gnomAD v4.1: 1 of 1,535,632 alleles (0.000065%); highest among the groups gnomAD compares: Admixed American, 0.002%; no homozygotes.

Submission:

PreventionGenetics, part of Exact Sciences
Classification: Likely benign for SPTBN5-related condition. Last evaluated: 2025-03-25. Review status: criteria provided, single submitter. Criteria: ACMG Guidelines, 2015. Collection method: clinical testing. Allele origin: germline.
Comment: This variant is classified as likely benign based on ACMG/AMP sequence variant interpretation guidelines (Richards et al. 2015 PMID: 25741868, with internal and published modifications).

NM_016642.4(SPTBN5):c.6324G>A (p.Leu2108=)

Gene: SPTBN5 (spectrin beta, non-erythrocytic 5; minus strand). Cytogenetic location: 15q15.1.
Variant type: single nucleotide variant.
Coding change: c.6324G>A on transcript NM_016642.4 (MANE Select); coding-DNA position 6324, G replaced by A.
Protein change: p.Leu2108=; no amino-acid change (leucine 2108 retained).
Molecular consequence: synonymous variant.
Genome position (GRCh38, 1-based): chr15:41,867,115, C>T on the plus strand (G>A on the coding strand, the complement: SPTBN5 is on the minus strand). VCF-style: chr15-41867115-C-T. GRCh37 (hg19) VCF-style: chr15-42159313-C-T.
Identifiers: ClinVar variation 4980552 (VCV004980552.1).